The following is an entry in ClinVar:

NM_001134363.3(RBM20):c.2715G>A (p.Met905Ile)

Gene: RBM20 (RNA binding motif protein 20; plus strand). Cytogenetic location: 10q25.2.
Variant type: single nucleotide variant.
Coding change: c.2715G>A on transcript NM_001134363.3 (MANE Select); coding-DNA position 2715, G replaced by A.
Protein change: p.Met905Ile; replaces methionine 905 with isoleucine.
Molecular consequence: missense variant.
Genome position (GRCh38, 1-based): chr10:110,821,334, G>A. VCF-style: chr10-110821334-G-A. GRCh37 (hg19) VCF-style: chr10-112581092-G-A.
Other names: short protein forms M905I.
Identifiers: ClinVar variation 2574021 (VCV002574021.3), dbSNP rs2493493101, ClinGen allele CA378377255.
Genomic context (GRCh38, chr10:110,821,334, plus strand): 5'-GGAACAAGATTGGGAGAGTGAAAGTGAGGCAGAGGGGGAGAGCTGGTATCCCACTAACAT[G>A]GAGGAGCTGGTGACAGTGGACGAGGTTGGGGAAGAAGAAGATTTTATCGTGGAACCAGAC-3'
Protein context (NP_001127835.2, residues 895-915): AEGESWYPTN[Met905Ile]EELVTVDEVG

ClinVar aggregate classification (germline): Uncertain significance (1 of 4 stars; one submission).

Conditions:
Long QT syndrome (LQTS). Identifiers: MedGen C0023976, MeSH D008133, MONDO:0002442. Disease mechanism: loss of function. Inheritance: Various modes of inheritance.

Allele frequency attached by ClinVar (database versions not stated): gnomAD exomes below 0.00001.
gnomAD v4.1: 1 of 1,551,730 alleles (0.000064%); highest among the groups gnomAD compares: Non-Finnish European, 0.000087%; no homozygotes.

Submission:

Dept of Medical Biology, Uskudar University
Classification: Uncertain significance for Long QT syndrome. Last evaluated: 2024-01-08. Review status: criteria provided, single submitter. Criteria: Dept of Medical Biology Variant Classification. Collection method: research. Allele origin: paternal. Affected: yes. Observed: 1 variant allele.
Comment: Criteria: PM2